The following is an entry in ClinVar:

ClinVar aggregate classification (germline): Uncertain significance (1 of 4 stars; one submission).

Allele frequency attached by ClinVar (database versions not stated): gnomAD 0.00001; TOPMed 0.00001.
gnomAD v4.1: 2 of 1,614,088 alleles (0.00012%); highest among the groups gnomAD compares: African/African-American, 0.0027%; no homozygotes.

Submission:

Labcorp Genetics (formerly Invitae), Labcorp
Classification: Uncertain significance. Last evaluated: 2023-11-27. Review status: criteria provided, single submitter. Criteria: Invitae Variant Classification Sherloc (09022015). Collection method: clinical testing. Allele origin: germline.
Comment: This sequence change replaces glutamic acid, which is acidic and polar, with glycine, which is neutral and non-polar, at codon 2252 of the GPR179 protein (p.Glu2252Gly). This variant is not present in population databases (gnomAD no frequency). This variant has not been reported in the literature in individuals affected with GPR179-related conditions. ClinVar contains an entry for this variant (Variation ID: 2004706). Algorithms developed to predict the effect of missense changes on protein structure and function output the following: SIFT: "Not Available"; PolyPhen-2: "Benign"; Align-GVGD: "Not Available". The glycine amino acid residue is found in multiple mammalian species, which suggests that this missense change does not adversely affect protein function. In summary, the available evidence is currently insufficient to determine the role of this variant in disease. Therefore, it has been classified as a Variant of Uncertain Significance.

NM_001004334.4(GPR179):c.6755A>G (p.Glu2252Gly)

Gene: GPR179 (G protein-coupled receptor 179; minus strand). Cytogenetic location: 17q12.
Variant type: single nucleotide variant.
Coding change: c.6755A>G on transcript NM_001004334.4 (MANE Select); coding-DNA position 6755, A replaced by G.
Protein change: p.Glu2252Gly; replaces glutamic acid 2252 with glycine.
Molecular consequence: missense variant.
Genome position (GRCh38, 1-based): chr17:38,326,814, T>C on the plus strand (A>G on the coding strand, the complement: GPR179 is on the minus strand). VCF-style: chr17-38326814-T-C. GRCh37 (hg19) VCF-style: chr17-36482697-T-C.
Other names: short protein forms E2252G.
Identifiers: ClinVar variation 2004706 (VCV002004706.4), dbSNP rs2037290728, ClinGen allele CA398868474.